The following is an entry in ClinVar:

NM_001287.6(CLCN7):c.1745C>T (p.Pro582Leu)

Gene: CLCN7 (Cl-/H+ antiporter 7; minus strand). Cytogenetic location: 16p13.3.
Variant type: single nucleotide variant.
Coding change: c.1745C>T on transcript NM_001287.6 (MANE Select); coding-DNA position 1745, C replaced by T.
Protein change: p.Pro582Leu; replaces proline 582 with leucine.
Molecular consequence: missense variant.
Genome position (GRCh38, 1-based): chr16:1,449,018, G>A on the plus strand (C>T on the coding strand, the complement: CLCN7 is on the minus strand). VCF-style: chr16-1449018-G-A. GRCh37 (hg19) VCF-style: chr16-1499019-G-A.
Other names: c.1673C>T, p.Pro558Leu (NM_001114331.3); short protein forms P558L, P582L.
Identifiers: ClinVar variation 5021013 (VCV005021013.1).

ClinVar aggregate classification (germline): Uncertain significance (1 of 4 stars; one submission).

Submission:

Dasa
Classification: Uncertain significance. Last evaluated: 2025-01-21. Review status: criteria provided, single submitter. Criteria: DASA Assertion Criteria. Collection method: clinical testing. Allele origin: germline.
Comment: NM_001287.6(CLCN7):c.1745C>T (p.Pro582Leu) is a missense variant that results in the substitution of proline with leucine. This variant is absent from population databases. Computational prediction algorithms are consistent with a deleterious effect. The currently available literature and clinical evidence are not sufficient to establish a definitive association between this variant and the reported condition. Therefore, this variant is classified as a variant of uncertain significance.